The following is an entry in ClinVar:

NM_001164277.2(SLC37A4):c.703GTG[1] (p.Val236del)

Gene: SLC37A4 (solute carrier family 37 member 4; minus strand). Cytogenetic location: 11q23.3.
Variant type: Microsatellite.
Coding change: c.703GTG[1] on transcript NM_001164277.2 (MANE Select); one copy of the 3-base unit GTG starting at c.703; the reference has two copies in a row; one copy, 3 bases deleted; also written c.706_708del.
Protein change: p.Val236del; deletes valine 236.
Molecular consequence: inframe deletion.
Genome position (GRCh38, 1-based): chr11:119,027,013-119,027,015, CAC deleted on the plus strand (GTG on the coding strand, the reverse complement: SLC37A4 is on the minus strand); deleting any 3 consecutive bases within chr11:119,027,013-119,027,018 gives the same sequence; the position shown is the placement nearest the transcript's 3' end. VCF-style (leftmost placement, unchanged base first): chr11-119027012-ACAC-A. GRCh37 (hg19) VCF-style: chr11-118897722-ACAC-A.
Other names: V235del; V235delV; c.706_708del (NM_001164277.2, NM_001164277.1); c.703GTG[1], p.Val236del (NM_001164278.2, NM_001164280.2, NM_001467.6); c.484GTG[1], p.Val163del (NM_001164279.2); c.706_708delGTG (NM_001164277.1); short protein forms V236del, V163del.
Identifiers: ClinVar variation 6930 (VCV000006930.14), dbSNP rs121908977, ClinGen allele CA254002.

ClinVar aggregate classification (germline): Pathogenic/Likely pathogenic. Review status: criteria provided, multiple submitters, no conflicts (2 of 4 stars). 7 submissions from 7 submitters: Pathogenic (1); Likely pathogenic (4). 2 of the submissions do not count toward it. Last evaluated 2025-12-25.

Conditions:
Glucose-6-phosphate transport defect (GSD1B). Also called: GSD Ib; Glycogen Storage Disease Type Ib. Identifiers: Orphanet 364, Orphanet 79259, MedGen C0268146, MONDO:0009288, OMIM 232220.

Submissions (7):

Dasa
Classification: Likely pathogenic. Last evaluated: 2025-12-25. Review status: criteria provided, single submitter. Criteria: DASA Assertion Criteria. Collection method: clinical testing. Allele origin: germline.
Comment: NM_001164277.2(SLC37A4):c.706_708del (p.Val236del) is an in-frame deletion predicted to remove valine at protein position 236 without shifting the reading frame. This variant has been reported in individuals with SLC37A4-related disorders (PMID: 34093448). Functional evidence supports an impact on the gene or gene product (PMID: 34093448). Also, this variant is rare in population databases. Based on the currently available evidence, this variant is classified as likely pathogenic.

Natera, Inc.
Classification: Pathogenic for Glycogen storage disease type Ib. Last evaluated: 2024-08-13. Review status: criteria provided, single submitter. Criteria: Natera Variant Classification Schema (03/2026). Collection method: clinical testing. Allele origin: germline.
Comment: The c.706_708delGTG variant in SLC37A4 is an in-frame deletion predicted to remove valine at amino acid 236 while preserving the reading frame. This variant is rare in the general population with a frequency below the threshold expected for the associated phenotype(s). This variant has been observed in one or more individuals affected with the associated recessive disease, as either homozygous or compound heterozygous with a second variant (PMID: 10482875, 31508908, 38137041, 34093448). Additionally, this variant has been observed to segregate in affected family members (PMID: 31508908). This variant results in a change to the protein length while preserving reading frame, which may disrupt normal protein structure or function. Given the available evidence, this variant is classified as Pathogenic.

Labcorp Genetics (formerly Invitae), Labcorp
Classification: Likely pathogenic for Glucose-6-phosphate transport defect. Last evaluated: 2023-12-09. Review status: criteria provided, single submitter. Criteria: Invitae Variant Classification Sherloc (09022015). Collection method: clinical testing. Allele origin: germline.
Comment: This variant, c.706_708del, results in the deletion of 1 amino acid(s) of the SLC37A4 protein (p.Val236del), but otherwise preserves the integrity of the reading frame. This variant is not present in population databases (gnomAD no frequency). This variant has been observed in individual(s) with glycogen storage disease (PMID: 34093448; Invitae). This variant is also known as delV235, c.703_705delGTG. ClinVar contains an entry for this variant (Variation ID: 6930). Algorithms developed to predict the effect of variants on protein structure and function are not available or were not evaluated for this variant. Experimental studies have shown that this variant affects SLC37A4 function (PMID: 12444104). In summary, the currently available evidence indicates that the variant is pathogenic, but additional data are needed to prove that conclusively. Therefore, this variant has been classified as Likely Pathogenic.

Baylor Genetics
Classification: Likely pathogenic for Glucose-6-phosphate transport defect. Last evaluated: 2022-05-16. Review status: criteria provided, single submitter. Criteria: ACMG Guidelines, 2015. Collection method: clinical testing. Allele origin: unknown.

Mendelics
Classification: Likely pathogenic for Glucose-6-phosphate transport defect. Last evaluated: 2022-05-04. Review status: criteria provided, single submitter. Criteria: Mendelics Assertion Criteria 2019. Collection method: clinical testing. Allele origin: germline.

OMIM
Classification: Pathogenic for GLYCOGEN STORAGE DISEASE Ib. Last evaluated: 1999-09-17. Review status: no assertion criteria provided. Collection method: literature only. Allele origin: germline. Not counted in ClinVar's aggregate classification.

Genesolutions, Medical Genetics Institutes, Ho Chi Minh City, Vietnam
Classification: Uncertain significance for Glucose-6-phosphate transport defect. Last evaluated: 2025-09-24. Review status: flagged submission. Criteria: ACMG Guidelines, 2015. Collection method: clinical testing. Allele origin: germline. Affected: yes. Not counted in ClinVar's aggregate classification.
ClinVar note: Reason: Outlier claim with insufficient supporting evidence

Literature cited by the submitters: PubMed 34093448 (cited by 3 submitters); PubMed 10482875 (cited by 3 submitters); PubMed 12444104 (cited by Dasa and Labcorp Genetics (formerly Invitae), Labcorp); PubMed 31508908 (cited by Natera, Inc.); PubMed 38137041 (cited by Natera, Inc.).